The following is an entry in ClinVar:

NM_000142.5(FGFR3):c.1534+7_1534+9del

Gene: FGFR3 (fibroblast growth factor receptor 3; plus strand). Cytogenetic location: 4p16.3.
Variant type: Microsatellite.
Coding change: c.1534+7_1534+9del on transcript NM_000142.5 (MANE Select); bases 7 to 9 of the intron after coding-DNA position 1534, 3 bases deleted (AGG; older notation c.1534+7_1534+9delAGG).
Molecular consequence: intron variant.
Genome position (GRCh38, 1-based): chr4:1,805,483-1,805,485, AGG deleted; deleting any 3 consecutive bases within chr4:1,805,479-1,805,485 gives the same sequence; the c. name uses the placement nearest the transcript's 3' end. VCF-style (leftmost placement, unchanged base first): chr4-1805478-TGAG-T. GRCh37 (hg19) VCF-style: chr4-1807205-TGAG-T.
Other names: c.1534+7_1534+9delAGG (NM_000142.5); c.1540+7_1540+9del (NM_001163213.2); c.1537+7_1537+9del (NM_001354809.2, NM_001354810.2); c.1198+7_1198+9del (NM_022965.4).
Identifiers: ClinVar variation 1680082 (VCV001680082.11), dbSNP rs1302419600, ClinGen allele CA438063118.

ClinVar aggregate classification (germline): Likely benign. Review status: criteria provided, multiple submitters, no conflicts (2 of 4 stars). 2 submissions from 2 submitters: Likely benign (2). Last evaluated 2025-09-16.

Submissions (2):

Labcorp Genetics (formerly Invitae), Labcorp
Classification: Likely benign. Last evaluated: 2025-09-16. Review status: criteria provided, single submitter. Criteria: Invitae Variant Classification Sherloc (09022015). Collection method: clinical testing. Allele origin: germline.

Women's Health and Genetics/Laboratory Corporation of America, LabCorp
Classification: Likely benign. Last evaluated: 2025-04-30. Review status: criteria provided, single submitter. Criteria: LabCorp Variant Classification Summary - May 2015. Collection method: clinical testing. Allele origin: germline.
Comment: Variant summary: FGFR3 c.1534+7_1534+9delAGG alters a non-conserved nucleotide located at a position not widely known to affect splicing. Consensus agreement among computation tools predict no significant impact on normal splicing. However, these predictions have yet to be confirmed by functional studies. The variant allele was found at a frequency of 1.2e-05 in 248172 control chromosomes. The available data on variant occurrences in the general population are insufficient to allow any conclusion about variant significance. To our knowledge, no occurrence of c.1534+7_1534+9delAGG in individuals affected with Achondroplasia and no experimental evidence demonstrating its impact on protein function have been reported. ClinVar contains an entry for this variant (Variation ID: 1680082). Based on the evidence outlined above, the variant was classified as likely benign.